The following is an entry in ClinVar:

NM_000059.4(BRCA2):c.1931A>G (p.Lys644Arg)

Gene: BRCA2 (BRCA2 DNA repair associated; plus strand). Cytogenetic location: 13q13.1.
Variant type: single nucleotide variant.
Coding change: c.1931A>G on transcript NM_000059.4 (MANE Select); coding-DNA position 1931, A replaced by G.
Protein change: p.Lys644Arg; replaces lysine 644 with arginine.
Molecular consequence: missense variant. On other transcripts: non-coding transcript variant (1), intron variant (2).
Genome position (GRCh38, 1-based): chr13:32,336,286, A>G. VCF-style: chr13-32336286-A-G. GRCh37 (hg19) VCF-style: chr13-32910423-A-G.
Other names: c.1931A>G, p.Lys644Arg (NM_001406719.1, NM_001406720.1); c.1909+2899A>G (NM_001406721.1); c.424+5256A>G (NM_001406722.1); short protein forms K644R.
Identifiers: ClinVar variation 2774885 (VCV002774885.3), dbSNP rs1555282365, ClinGen allele CA387768311.
Genomic context (GRCh38, chr13:32,336,286, plus strand): 5'-TGGTACTTTAATTTTGTCACTTTGTGTTTTTATGTTTAGGTTTATTGCATTCTTCTGTGA[A>G]AAGAAGCTGTTCACAGAATGATTCTGAAGAACCAACTTTGTCCTTAACTAGCTCTTTTGG-3'
Protein context (NP_000050.3, residues 634-654): ADSGLLHSSV[Lys644Arg]RSCSQNDSEE

ClinVar aggregate classification (germline): Conflicting classifications of pathogenicity. Review status: criteria provided, conflicting classifications (1 of 4 stars). 2 submissions from 2 submitters: Uncertain significance (1); Likely benign (1). Last evaluated 2025-09-22.

Conditions:
Hereditary cancer-predisposing syndrome. Also called: Neoplastic Syndromes, Hereditary; Tumor predisposition; Hereditary Cancer Syndrome; Hereditary neoplastic syndrome. Identifiers: Orphanet 140162, MedGen C0027672, MeSH D009386, MONDO:0015356.

Submissions (2):

Ambry Genetics
Classification: Likely benign for Hereditary cancer-predisposing syndrome. Last evaluated: 2025-09-22. Review status: criteria provided, single submitter. Criteria: Ambry Variant Classification Scheme 2023. Collection method: clinical testing. Allele origin: germline.

Color Diagnostics, LLC DBA Color Health
Classification: Uncertain significance for Hereditary cancer-predisposing syndrome. Last evaluated: 2023-08-30. Review status: criteria provided, single submitter. Criteria: ACMG Guidelines, 2015. Collection method: clinical testing. Allele origin: germline.
Comment: This missense variant replaces lysine with arginine at codon 644 of the BRCA2 protein. Computational prediction suggests that this variant may not impact protein structure and function (internally defined REVEL score threshold <= 0.5, PMID: 27666373). To our knowledge, functional studies have not been reported for this variant. This variant has not been reported in individuals affected with BRCA2-related disorders in the literature. This variant has not been identified in the general population by the Genome Aggregation Database (gnomAD). The available evidence is insufficient to determine the role of this variant in disease conclusively. Therefore, this variant is classified as a Variant of Uncertain Significance.